The following is an entry in ClinVar:

ClinVar aggregate classification (germline): Uncertain significance. Review status: criteria provided, single submitter (1 of 4 stars). 2 submissions from 2 submitters: Uncertain significance (1). 1 of the submissions does not count toward it. Last evaluated 2022-08-23.

Conditions:
Menkes kinky-hair syndrome (MNK). Also called: Copper transport disease; Menkes Disease; Classic Menkes Disease. Identifiers: Orphanet 565, MedGen C0022716, MONDO:0010651, OMIM 309400.
Cutis laxa, X-linked (OHS). Also called: EDS IX; Occipital horn syndrome. Identifiers: Orphanet 198, MedGen C0268353, MONDO:0010572, OMIM 304150.
X-linked distal spinal muscular atrophy type 3. Also called: ATP7A-Related Distal Motor Neuropathy; SPINAL MUSCULAR ATROPHY, DISTAL, X-LINKED RECESSIVE; NEURONOPATHY, DISTAL HEREDITARY MOTOR, X-LINKED; NEUROPATHY, DISTAL HEREDITARY MOTOR, X-LINKED. Identifiers: Orphanet 139557, MedGen C1845359, MONDO:0010338, OMIM 300489.

Submissions (2):

Labcorp Genetics (formerly Invitae), Labcorp
Classification: Uncertain significance for X-linked distal spinal muscular atrophy type 3; Cutis laxa, X-linked; Menkes kinky-hair syndrome. Last evaluated: 2022-08-23. Review status: criteria provided, single submitter. Criteria: Invitae Variant Classification Sherloc (09022015). Collection method: clinical testing. Allele origin: germline.
Comment: This variant is not present in population databases (gnomAD no frequency). This variant, c.2076_2078del, results in the deletion of 1 amino acid(s) of the ATP7A protein (p.Met692del), but otherwise preserves the integrity of the reading frame. This variant has not been reported in the literature in individuals affected with ATP7A-related conditions. In summary, the available evidence is currently insufficient to determine the role of this variant in disease. Therefore, it has been classified as a Variant of Uncertain Significance. Experimental studies and prediction algorithms are not available or were not evaluated, and the functional significance of this variant is currently unknown.

Natera, Inc.
Classification: Uncertain significance for Menkes kinky hair syndrome. Last evaluated: 2025-04-27. Review status: no assertion criteria provided. Collection method: clinical testing. Allele origin: germline. Not counted in ClinVar's aggregate classification.

NM_000052.7(ATP7A):c.2076_2078del (p.Met692del)

Gene: ATP7A (ATPase copper transporting alpha; plus strand). Cytogenetic location: Xq21.1.
Variant type: Deletion.
Coding change: c.2076_2078del on transcript NM_000052.7 (MANE Select); coding-DNA positions 2076 to 2078, 3 bases deleted (GAT; older notation c.2076_2078delGAT).
Protein change: p.Met692del; deletes methionine 692.
Molecular consequence: inframe deletion.
Genome position (GRCh38, 1-based): chrX:78,011,578-78,011,580, GAT deleted; deleting any 3 consecutive bases within chrX:78,011,576-78,011,580 gives the same sequence; the c. name uses the placement nearest the transcript's 3' end. VCF-style (leftmost placement, unchanged base first): chrX-78011575-AATG-A. GRCh37 (hg19) VCF-style: chrX-77267072-AATG-A.
Other names: c.2076_2078del (NM_000052.6); c.2076_2078del, p.Met692del (NM_001282224.2); short protein forms M692del.
Identifiers: ClinVar variation 2015716 (VCV002015716.5), dbSNP rs2522350270, ClinGen allele CA2580101493.
Genomic context (GRCh38, chrX:78,011,575, plus strand): 5'-GATGGTTATGGACCACCACTTTGCAACTCTTCACCATAATCAAAACATGAGTAAAGAAGA[AATG>A]ATCAACCTTCATTCTTCTATGTTCCTGGAGCGCCAGATTCTTCCAGGATTGTCTGTTATG-3'